The following is an entry in ClinVar:

ClinVar aggregate classification (germline): Uncertain significance (1 of 4 stars; one submission).

Submission:

Ambry Genetics
Classification: Uncertain significance. Last evaluated: 2021-09-10. Review status: criteria provided, single submitter. Criteria: Ambry Variant Classification Scheme 2023. Collection method: clinical testing. Allele origin: germline.
Comment: The p.R533P variant (also known as c.1598G>C), located in coding exon 10 of the POLQ gene, results from a G to C substitution at nucleotide position 1598. The arginine at codon 533 is replaced by proline, an amino acid with dissimilar properties. This amino acid position is conserved. In addition, this alteration is predicted to be deleterious by in silico analysis. Since supporting evidence is limited at this time, the clinical significance of this alteration remains unclear.

NM_199420.4(POLQ):c.1598G>C (p.Arg533Pro)

Gene: POLQ (DNA polymerase theta; minus strand). Cytogenetic location: 3q13.33.
Variant type: single nucleotide variant.
Coding change: c.1598G>C on transcript NM_199420.4 (MANE Select); coding-DNA position 1598, G replaced by C.
Protein change: p.Arg533Pro; replaces arginine 533 with proline.
Molecular consequence: missense variant.
Genome position (GRCh38, 1-based): chr3:121,511,900, C>G on the plus strand (G>C on the coding strand, the complement: POLQ is on the minus strand). VCF-style: chr3-121511900-C-G. GRCh37 (hg19) VCF-style: chr3-121230747-C-G.
Other names: short protein forms R533P.
Identifiers: ClinVar variation 1776044 (VCV001776044.2), dbSNP rs375451342, ClinGen allele CA354115977.